The following is an entry in ClinVar:

NM_001999.4(FBN2):c.7636C>G (p.Leu2546Val)

Gene: FBN2 (fibrillin 2; minus strand). Cytogenetic location: 5q23.3.
Variant type: single nucleotide variant.
Coding change: c.7636C>G on transcript NM_001999.4 (MANE Select); coding-DNA position 7636, C replaced by G.
Protein change: p.Leu2546Val; replaces leucine 2546 with valine.
Molecular consequence: missense variant.
Genome position (GRCh38, 1-based): chr5:128,274,642, G>C on the plus strand (C>G on the coding strand, the complement: FBN2 is on the minus strand). VCF-style: chr5-128274642-G-C. GRCh37 (hg19) VCF-style: chr5-127610334-G-C.
Other names: short protein forms L2546V.
Identifiers: ClinVar variation 213362 (VCV000213362.4), dbSNP rs863223588, ClinGen allele CA324090.

ClinVar aggregate classification (germline): Uncertain significance. Review status: criteria provided, multiple submitters, no conflicts (2 of 4 stars). 2 submissions from 2 submitters: Uncertain significance (2). Last evaluated 2025-12-08.

Conditions:
Congenital contractural arachnodactyly (CCA). Also called: Beals-Hecht syndrome; BEALS SYNDROME; Arthrogryposis, distal, type 9. Identifiers: Orphanet 115, MedGen C0220668, MONDO:0007363, OMIM 121050.

Allele frequency attached by ClinVar (database versions not stated): gnomAD exomes below 0.00001.

Submissions (2):

Labcorp Genetics (formerly Invitae), Labcorp
Classification: Uncertain significance for Congenital contractural arachnodactyly. Last evaluated: 2025-12-08. Review status: criteria provided, single submitter. Criteria: Invitae Variant Classification Sherloc (09022015). Collection method: clinical testing. Allele origin: germline.
Comment: This sequence change replaces leucine, which is neutral and non-polar, with valine, which is neutral and non-polar, at codon 2546 of the FBN2 protein (p.Leu2546Val). This variant is not present in population databases (gnomAD no frequency). This variant has not been reported in the literature in individuals affected with FBN2-related conditions. ClinVar contains an entry for this variant (Variation ID: 213362). Invitae Evidence Modeling of protein sequence and biophysical properties (such as structural, functional, and spatial information, amino acid conservation, physicochemical variation, residue mobility, and thermodynamic stability) indicates that this missense variant is not expected to disrupt FBN2 protein function with a negative predictive value of 80%. In summary, the available evidence is currently insufficient to determine the role of this variant in disease. Therefore, it has been classified as a Variant of Uncertain Significance.

GeneDx
Classification: Uncertain significance. Last evaluated: 2013-01-08. Review status: criteria provided, single submitter. Criteria: GeneDx Variant Classification (06012015). Collection method: clinical testing. Allele origin: germline. Affected: yes.
Comment: p.Leu2546Val (CTC>GTC): c.7636 C>G in exon 60 of the FBN2 gene (NM_001999.3) The Leu2546Val variant in the FBN2 gene has not been reported as a disease-causing mutation or as a benign polymorphism to our knowledge. Leu2546Val results in a conservative amino acid substitution of one non-polar amino acid with another at a position that is conserved across species. The NHLBI ESP Exome Variant Server reports Leu2546Val was not observed in approximately 6,500 samples from individuals of European and African American backgrounds, indicating it is not a common benign variant in these populations. Nevertheless, no mutations in nearby codons have been reported in association with congenital contractural arachnodactyly. With the clinical and molecular information available at this time, we cannot definitively determine if Leu2546Val is a disease-causing mutation or a rare benign variant. This variant was found in TAAD